The following is an entry in ClinVar:

ClinVar aggregate classification (germline): Uncertain significance. Review status: criteria provided, multiple submitters, no conflicts (2 of 4 stars). 3 submissions from 3 submitters: Uncertain significance (3). Last evaluated 2024-10-31.

Conditions:
Autosomal recessive nonsyndromic hearing loss 30. Identifiers: Orphanet 90636, MedGen C1846784, MONDO:0011774, OMIM 607101.
Hearing loss, autosomal dominant 90. Also called: Deafness, autosomal dominant 90. Identifiers: MedGen C5935579, MONDO:0958232, OMIM 620722.

Allele frequency attached by ClinVar (database versions not stated): gnomAD exomes below 0.00001 and 0.00001; ExAC 0.00001; gnomAD 0.00002 and 0.00003; TOPMed 0.00005.
gnomAD v4.1: 21 of 1,612,274 alleles (0.0013%); highest among the groups gnomAD compares: Admixed American, 0.0067%; no homozygotes.

Submissions (3):

GeneDx
Classification: Uncertain significance. Last evaluated: 2024-10-31. Review status: criteria provided, single submitter. Criteria: GeneDx Variant Classification Process June 2021. Collection method: clinical testing. Allele origin: germline. Affected: yes.
Comment: In silico analysis supports that this missense variant has a deleterious effect on protein structure/function; In silico analysis is inconclusive as to whether the variant alters gene splicing. In the absence of RNA/functional studies, the actual effect of this sequence change is unknown.; Has not been previously published as pathogenic or benign to our knowledge

Genomic Medicine Center of Excellence, King Faisal Specialist Hospital and Research Centre
Classification: Uncertain significance for Hearing loss, autosomal dominant 90. Last evaluated: 2024-04-04. Review status: criteria provided, single submitter. Criteria: ACMG Guidelines, 2015. Collection method: clinical testing. Allele origin: germline.

Illumina Laboratory Services, Illumina
Classification: Uncertain significance for Autosomal recessive nonsyndromic hearing loss 30. Last evaluated: 2017-04-27. Review status: criteria provided, single submitter. Criteria: ICSL Variant Classification Criteria 13 December 2019. Collection method: clinical testing. Allele origin: germline.

NM_017433.5(MYO3A):c.2999G>A (p.Arg1000Gln)

Gene: MYO3A (myosin IIIA; plus strand). Cytogenetic location: 10p12.1.
Variant type: single nucleotide variant.
Coding change: c.2999G>A on transcript NM_017433.5 (MANE Select); coding-DNA position 2999, G replaced by A.
Protein change: p.Arg1000Gln; replaces arginine 1000 with glutamine.
Molecular consequence: missense variant.
Genome position (GRCh38, 1-based): chr10:26,157,515, G>A. VCF-style: chr10-26157515-G-A. GRCh37 (hg19) VCF-style: chr10-26446444-G-A.
Other names: short protein forms R1000Q.
Identifiers: ClinVar variation 877869 (VCV000877869.7), dbSNP rs755548787, ClinGen allele CA5445121.